The following is an entry in ClinVar:

NM_001348716.2(KDM6B):c.3313A>G (p.Ile1105Val)

Gene: KDM6B (lysine demethylase 6B; plus strand). Cytogenetic location: 17p13.1.
Variant type: single nucleotide variant.
Coding change: c.3313A>G on transcript NM_001348716.2 (MANE Select); coding-DNA position 3313, A replaced by G.
Protein change: p.Ile1105Val; replaces isoleucine 1105 with valine.
Molecular consequence: missense variant.
Genome position (GRCh38, 1-based): chr17:7,849,601, A>G. VCF-style: chr17-7849601-A-G. GRCh37 (hg19) VCF-style: chr17-7752919-A-G.
Other names: c.3313A>G, p.Ile1105Val (NM_001080424.2); short protein forms I1105V.
Identifiers: ClinVar variation 2413103 (VCV002413103.3), dbSNP rs2544529213, ClinGen allele CA397923482.
Genomic context (GRCh38, chr17:7,849,601, plus strand): 5'-AGCCGGGCCGACATGCTGAAGCTGCGCTCACTTAGTGAGGGGCCCCCCAAGGAGCTGAAG[A>G]TCCGGCTCATCAAGGTAGAGAGTGGTGACAAGGAGACCTTTATCGCCTCTGAGGTGGAAG-3'
Protein context (NP_001335645.1, residues 1095-1115): LSEGPPKELK[Ile1105Val]RLIKVESGDK

ClinVar aggregate classification (germline): Uncertain significance (1 of 4 stars; one submission).

Submission:

GeneDx
Classification: Uncertain significance. Last evaluated: 2022-07-28. Review status: criteria provided, single submitter. Criteria: GeneDx Variant Classification Process June 2021. Collection method: clinical testing. Allele origin: germline. Affected: yes.
Comment: Not observed at significant frequency in large population cohorts (gnomAD); In silico analysis supports that this missense variant does not alter protein structure/function; Has not been previously published as pathogenic or benign to our knowledge